The following is an entry in ClinVar:

ClinVar aggregate classification (germline): Uncertain significance (1 of 4 stars; one submission).

Submission:

GeneDx
Classification: Uncertain significance. Last evaluated: 2025-10-30. Review status: criteria provided, single submitter. Criteria: GeneDx Variant Classification Process June 2021. Collection method: clinical testing. Allele origin: germline.
Comment: Not observed at significant frequency in large population cohorts (gnomAD); In silico analysis supports that this missense variant has a deleterious effect on protein structure/function; Has not been previously published as pathogenic or benign to our knowledge

NM_001273.5(CHD4):c.5312G>C (p.Arg1771Pro)

Genes: CHD4 (chromodomain helicase DNA binding protein 4; minus strand), CHD4-AS1 (CHD4 antisense RNA 1; plus strand). Cytogenetic location: 12p13.31.
Variant type: single nucleotide variant.
Coding change: c.5312G>C on transcript NM_001273.5 (MANE Select); coding-DNA position 5312, G replaced by C.
Protein change: p.Arg1771Pro; replaces arginine 1771 with proline.
Molecular consequence: missense variant.
Genome position (GRCh38, 1-based): chr12:6,577,834, C>G on the plus strand (G>C on the coding strand, the complement: CHD4 is on the minus strand). VCF-style: chr12-6577834-C-G. GRCh37 (hg19) VCF-style: chr12-6687000-C-G.
Other names: c.5291G>C, p.Arg1764Pro (NM_001297553.2); c.5279G>C, p.Arg1760Pro (NM_001363606.2); short protein forms R1760P, R1764P, R1771P.
Identifiers: ClinVar variation 3362092 (VCV003362092.2).